The following is an entry in ClinVar:

ClinVar aggregate classification (germline): Uncertain significance (1 of 4 stars; one submission).

Submission:

GeneDx
Classification: Uncertain significance. Last evaluated: 2016-11-17. Review status: criteria provided, single submitter. Criteria: GeneDx Variant Classification (06012015). Collection method: clinical testing. Allele origin: germline. Affected: yes.
Comment: The c.2803_c.2812del10 variant in the ERCC6L gene has not been reported previously as a pathogenic variant nor as a benign variant, to our knowledge. The c.2803_c.2812del10 variant causes a frameshift starting with codon Glutamic acid 935, changes this amino acid to a Tryptophan residue, and creates a premature Stop codon at position 35 of the new reading frame, denoted p.Glu935TrpfsX35. This variant is predicted to cause loss of normal protein function through protein truncation. The c.2803_c.2812del10 variant was not observed in approximately 6,500 individuals of European and African American ancestry in the NHLBI Exome Sequencing Project, indicating it is not a common benign variant in these populations. We interpret c.2803_c.2812del10 as a variant of uncertain significance.

NM_017669.4(ERCC6L):c.2803_2812del (p.Glu935fs)

Genes: ERCC6L (ERCC excision repair 6 like DNA helicase; minus strand), PIN4 (peptidylprolyl cis/trans isomerase, NIMA-interacting 4; plus strand). Cytogenetic location: Xq13.1.
Variant type: Deletion.
Coding change: c.2803_2812del on transcript NM_017669.4 (MANE Select); coding-DNA positions 2803 to 2812, 10 bases deleted (GAGGCCAAGT; older notation c.2803_2812delGAGGCCAAGT).
Protein change: p.Glu935fs; shifts the reading frame from glutamic acid 935.
Molecular consequence: frameshift variant. On other transcripts: intron variant (1).
Genome position (GRCh38, 1-based): chrX:72,205,955-72,205,964, ACTTGGCCTC deleted on the plus strand (GAGGCCAAGT on the coding strand, the reverse complement: ERCC6L is on the minus strand); deleting any 10 consecutive bases within chrX:72,205,955-72,205,969 gives the same sequence; the c. name uses the placement nearest the transcript's 3' end. VCF-style (leftmost placement, unchanged base first): chrX-72205954-AACTTGGCCTC-A. GRCh37 (hg19) VCF-style: chrX-71425804-AACTTGGCCTC-A.
Other names: c.2434_2443del, p.Glu812fs (NM_001009954.3); c.312+9056_312+9065del (NM_001170747.1); short protein forms E812fs, E935fs.
Identifiers: ClinVar variation 373501 (VCV000373501.3), dbSNP rs1057518449, ClinGen allele CA16043283.